The following is an entry in ClinVar:

ClinVar aggregate classification (germline): Likely benign (1 of 4 stars; one submission).

Submission:

Mayo Clinic Laboratories, Mayo Clinic
Classification: Likely benign. Last evaluated: 2025-01-07. Review status: criteria provided, single submitter. Criteria: ACMG Guidelines, 2015. Collection method: clinical testing. Allele origin: germline. Observed: 1 variant allele.
Comment: BP4, BP7, PM2_supporting

NM_003664.5(AP3B1):c.1407G>A (p.Leu469=)

Gene: AP3B1 (adaptor related protein complex 3 subunit beta 1; minus strand). Cytogenetic location: 5q14.1.
Variant type: single nucleotide variant.
Coding change: c.1407G>A on transcript NM_003664.5 (MANE Select); coding-DNA position 1407, G replaced by A.
Protein change: p.Leu469=; no amino-acid change (leucine 469 retained).
Molecular consequence: synonymous variant.
Genome position (GRCh38, 1-based): chr5:78,156,324, C>T on the plus strand (G>A on the coding strand, the complement: AP3B1 is on the minus strand). VCF-style: chr5-78156324-C-T. GRCh37 (hg19) VCF-style: chr5-77452148-C-T.
Other names: p.Leu469=; c.1260G>A, p.Leu420= (NM_001271769.2); c.1407G>A, p.Leu469= (NM_001410752.1).
Identifiers: ClinVar variation 4684848 (VCV004684848.1).